The following is an entry in ClinVar:

NM_000548.5(TSC2):c.1069G>C (p.Ala357Pro)

Gene: TSC2 (TSC complex subunit 2; plus strand). Cytogenetic location: 16p13.3.
Variant type: single nucleotide variant.
Coding change: c.1069G>C on transcript NM_000548.5 (MANE Select); coding-DNA position 1069, G replaced by C.
Protein change: p.Ala357Pro; replaces alanine 357 with proline.
Molecular consequence: missense variant. On other transcripts: 5 prime UTR variant (10), non-coding transcript variant (5).
Genome position (GRCh38, 1-based): chr16:2,060,763, G>C. VCF-style: chr16-2060763-G-C. GRCh37 (hg19) VCF-style: chr16-2110764-G-C.
Other names: c.1069G>C, p.Ala357Pro (NM_001077183.3, NM_001114382.3, NM_001363528.2 and 6 more transcripts); c.958G>C, p.Ala320Pro (NM_001318827.2, NM_001406670.1, NM_001406678.1); c.922G>C, p.Ala308Pro (NM_001318829.2, NM_001406675.1, NM_001406676.1 and 1 more transcripts); c.469G>C, p.Ala157Pro (NM_001318831.2, NM_001406680.1, NM_001406682.1 and 6 more transcripts); c.1102G>C, p.Ala368Pro (NM_001318832.2); c.1159G>C, p.Ala387Pro (NM_001406667.1, NM_001406668.1); c.1057G>C, p.Ala353Pro (NM_001406671.1, NM_001406673.1); c.1012G>C, p.Ala338Pro (NM_001406677.1); and 4 more; short protein forms A308P, A320P, A338P, A203P, A357P, A368P, A157P, A353P.
Identifiers: ClinVar variation 3462693 (VCV003462693.1).
Genomic context (GRCh38, chr16:2,060,763, plus strand): 5'-GAGATCGTCCTGTCCATCACCAGGCTCATCAAGAAGTATAGGAAGGAGCTCCAGGTGGTG[G>C]CGTGGGACATTCTGCTGAACATCATCGAACGGCTCCTTCAGCAGCTCCAGGTGGGGTGGG-3'
Protein context (NP_000539.2, residues 347-367): KKYRKELQVV[Ala357Pro]WDILLNIIER

ClinVar aggregate classification (germline): Uncertain significance (1 of 4 stars; one submission).

Conditions:
Hereditary cancer-predisposing syndrome. Also called: Tumor predisposition; Neoplastic Syndromes, Hereditary; Hereditary neoplastic syndrome; Hereditary Cancer Syndrome. Identifiers: Orphanet 140162, MedGen C0027672, MeSH D009386, MONDO:0015356.

Submission:

Ambry Genetics
Classification: Uncertain significance for Hereditary cancer-predisposing syndrome. Last evaluated: 2024-12-06. Review status: criteria provided, single submitter. Criteria: Ambry Variant Classification Scheme 2023. Collection method: clinical testing. Allele origin: germline.
Comment: The p.A357P variant (also known as c.1069G>C), located in coding exon 10 of the TSC2 gene, results from a G to C substitution at nucleotide position 1069. The alanine at codon 357 is replaced by proline, an amino acid with highly similar properties. This amino acid position is conserved. In addition, the in silico prediction for this alteration is inconclusive. Based on the available evidence, the clinical significance of this variant remains unclear.